The following is an entry in ClinVar:

ClinVar aggregate classification (germline): Uncertain significance. Review status: reviewed by expert panel (3 of 4 stars). 3 submissions from 3 submitters: Uncertain significance (1). 2 of the submissions do not count toward it. Last evaluated 2026-02-05.

Conditions:
Glanzmann thrombasthenia. Also called: THROMBASTHENIA OF GLANZMANN AND NAEGELI; Thrombasthenia; Glanzmann's thrombasthenia; PLATELET GLYCOPROTEIN IIb-IIIa DEFICIENCY. Identifiers: Orphanet 849, MedGen C0040015, MONDO:0100326.

Allele frequency attached by ClinVar (database versions not stated): gnomAD below 0.00001 and 0.00005; gnomAD exomes 0.00002 and 0.00004; TOPMed 0.00002; ExAC 0.00003; 1000 Genomes Project 0.00060.

Submissions (3):

ClinGen Platelet Disorders Variant Curation Expert Panel, ClinGen
Classification: Uncertain significance for Glanzmann thrombasthenia. Last evaluated: 2026-02-05. Review status: reviewed by expert panel. Criteria: ClinGen Platelet ACMG Specifications v2-1. Collection method: curation. Allele origin: germline. Inheritance: Autosomal recessive inheritance.
Comment: The ITGA2B c.188+8del variant has been reported in at least one GT proband (PMID: 19691478). GT14 meets the criteria for PP4_moderate, including mucocutaneous bleeding and impaired aggregation with all agonists except ristocetin. This variant occurs at an intermediate allele frequency, with an overall allele frequency in gnomAD v4.1 of 0.0004172 in the South Asian genetic ancestry group, this is below the BS1 threshold of >0.00158 but above the PM2 threshold of <0.0001. In summary, this variant meets the criteria to be classified as uncertain significance for autosomal recessive Glanzmann Thrombasthenia based on the ACMG/AMP criteria applied, as specified by the ClinGen PD VCEP: PP4_moderate (VCEP specifications version 2).

Labcorp Genetics (formerly Invitae), Labcorp
Classification: Likely benign for Glanzmann thrombasthenia. Last evaluated: 2025-12-01. Review status: criteria provided, single submitter. Criteria: Invitae Variant Classification Sherloc (09022015). Collection method: clinical testing. Allele origin: germline. Not counted in ClinVar's aggregate classification.

Women's Health and Genetics/Laboratory Corporation of America, LabCorp
Classification: Likely benign. Last evaluated: 2025-04-30. Review status: criteria provided, single submitter. Criteria: LabCorp Variant Classification Summary - May 2015. Collection method: clinical testing. Allele origin: germline. Not counted in ClinVar's aggregate classification.
Comment: Variant summary: ITGA2B c.188+8delG alters a nucleotide located at a position not widely known to affect splicing. Consensus agreement among computation tools predict no significant impact on normal splicing. However, these predictions have yet to be confirmed by functional studies. The variant allele was found at a frequency of 4e-05 in 251098 control chromosomes. This frequency is not significantly higher than estimated for a pathogenic variant in ITGA2B causing Glanzmann thrombasthenia 1, allowing no conclusion about variant significance. c.188+8delG has been observed in at least 1 heterozygous individual affected with Glanzmann thrombasthenia 1 (example: Kannan_2009). This report does not provide unequivocal conclusions about association of the variant with Glanzmann thrombasthenia 1. To our knowledge, no experimental evidence demonstrating an impact on protein function has been reported. The following publication has been ascertained in the context of this evaluation (PMID: 19691478). ClinVar contains an entry for this variant (Variation ID: 953029). Based on the evidence outlined above, the variant was classified as likely benign.

Literature cited by the submitters: PubMed 19691478 (cited by ClinGen Platelet Disorders Variant Curation Expert Panel, ClinGen and Women's Health and Genetics/Laboratory Corporation of America, LabCorp).

NM_000419.5(ITGA2B):c.188+8del

Gene: ITGA2B (integrin subunit alpha 2b; minus strand). Cytogenetic location: 17q21.31.
Variant type: Deletion.
Coding change: c.188+8del on transcript NM_000419.5 (MANE Select); 8 bases into the intron after coding-DNA position 188, one base deleted (G; older notation c.188+8delG).
Molecular consequence: intron variant.
Genome position (GRCh38, 1-based): chr17:44,389,278, C deleted on the plus strand (G on the coding strand, the reverse complement: ITGA2B is on the minus strand). VCF-style (leftmost placement, unchanged base first): chr17-44389277-AC-A. GRCh37 (hg19) VCF-style: chr17-42466645-AC-A.
Other names: c.188+8delG (NM_000419.4, NM_000419.5).
Identifiers: ClinVar variation 953029 (VCV000953029.11), dbSNP rs560275529, ClinGen allele CA8603523.